The following is an entry in ClinVar:

ClinVar aggregate classification (germline): Uncertain significance (1 of 4 stars; one submission).

Conditions:
Intellectual developmental disorder, X-linked 1. Also called: Atkin Flaitz Patil Smith syndrome; MENTAL RETARDATION, X-LINKED 18; MENTAL RETARDATION, X-LINKED 78; Intellectual disability, X-linked 1. Identifiers: Orphanet 777, MedGen C2931498, MONDO:0010656, OMIM 309530.

Submission:

Labcorp Genetics (formerly Invitae), Labcorp
Classification: Uncertain significance for Intellectual developmental disorder, X-linked 1. Last evaluated: 2022-08-09. Review status: criteria provided, single submitter. Criteria: Invitae Variant Classification Sherloc (09022015). Collection method: clinical testing. Allele origin: germline.
Comment: In summary, the available evidence is currently insufficient to determine the role of this variant in disease. Therefore, it has been classified as a Variant of Uncertain Significance. Advanced modeling of protein sequence and biophysical properties (such as structural, functional, and spatial information, amino acid conservation, physicochemical variation, residue mobility, and thermodynamic stability) performed at Invitae indicates that this missense variant is expected to disrupt IQSEC2 protein function. This variant has not been reported in the literature in individuals affected with IQSEC2-related conditions. This variant is not present in population databases (gnomAD no frequency). This sequence change replaces leucine, which is neutral and non-polar, with proline, which is neutral and non-polar, at codon 793 of the IQSEC2 protein (p.Leu793Pro).

NM_001111125.3(IQSEC2):c.2378T>C (p.Leu793Pro)

Gene: IQSEC2 (IQ motif and Sec7 domain ArfGEF 2; minus strand). Cytogenetic location: Xp11.22.
Variant type: single nucleotide variant.
Coding change: c.2378T>C on transcript NM_001111125.3 (MANE Select); coding-DNA position 2378, T replaced by C.
Protein change: p.Leu793Pro; replaces leucine 793 with proline.
Molecular consequence: missense variant.
Genome position (GRCh38, 1-based): chrX:53,248,802, A>G on the plus strand (T>C on the coding strand, the complement: IQSEC2 is on the minus strand). VCF-style: chrX-53248802-A-G. GRCh37 (hg19) VCF-style: chrX-53277984-A-G.
Other names: c.2378T>C, p.Leu793Pro (NM_001410736.1); c.1763T>C, p.Leu588Pro (NM_015075.2); short protein forms L793P, L588P.
Identifiers: ClinVar variation 2049843 (VCV002049843.4), dbSNP rs2519786942, ClinGen allele CA413158254.